The following is an entry in ClinVar:

NM_001080826.3(PRAG1):c.756G>A (p.Glu252=)

Gene: PRAG1 (PEAK1 related, kinase-activating pseudokinase 1). Cytogenetic location: 8p23.1.
Variant type: single nucleotide variant.
Coding change: c.756G>A on transcript NM_001080826.3 (MANE Select); coding-DNA position 756, G replaced by A.
Protein change: p.Glu252=; no amino-acid change (glutamic acid 252 retained).
Molecular consequence: synonymous variant. On other transcripts: non-coding transcript variant (1).
Genome position (GRCh38, 1-based): chr8:8,377,653, C>T on the plus strand (G>A on the coding strand, the complement: PRAG1 is on the minus strand). VCF-style: chr8-8377653-C-T. GRCh37 (hg19) VCF-style: chr8-8235163-C-T.
Other names: c.756G>A, p.Glu252= (NM_001369759.1).
Identifiers: ClinVar variation 2658371 (VCV002658371.24), dbSNP rs1440195583, ClinGen allele CA459611085.

ClinVar aggregate classification (germline): Likely benign (1 of 4 stars; one submission).

Allele frequency attached by ClinVar (database versions not stated): gnomAD exomes 0.00001.
gnomAD v4.1: 22 of 1,613,742 alleles (0.0014%); highest among the groups gnomAD compares: East Asian, 0.0022%; 1 homozygote.

Submission:

CeGaT Center for Human Genetics Tuebingen
Classification: Likely benign. Last evaluated: 2023-08-01. Review status: criteria provided, single submitter. Criteria: CeGaT Center For Human Genetics Tuebingen Variant Classification Criteria Version 2. Collection method: clinical testing. Allele origin: germline. Affected: yes. Observed: 1 variant allele.
Comment: PRAG1: BP4, BP7